The following is an entry in ClinVar:

NM_000557.5(GDF5):c.203G>A (p.Gly68Glu)

Gene: GDF5 (growth differentiation factor 5; minus strand). Cytogenetic location: 20q11.22.
Variant type: single nucleotide variant.
Coding change: c.203G>A on transcript NM_000557.5 (MANE Select); coding-DNA position 203, G replaced by A.
Protein change: p.Gly68Glu; replaces glycine 68 with glutamic acid.
Molecular consequence: missense variant.
Genome position (GRCh38, 1-based): chr20:35,437,726, C>T on the plus strand (G>A on the coding strand, the complement: GDF5 is on the minus strand). VCF-style: chr20-35437726-C-T. GRCh37 (hg19) VCF-style: chr20-34025506-C-T.
Other names: c.203G>A, p.Gly68Glu (NM_001319138.2); short protein forms G68E.
Identifiers: ClinVar variation 1512524 (VCV001512524.8), dbSNP rs2146583326, ClinGen allele CA408744722.
Genomic context (GRCh38, chr20:35,437,726, plus strand): 5'-TGTGTCAGGCCTCCTGTCTGCCCGGTGCCTCCCTTTGCCCTGGCATTGGCATTGGTGGCC[C>T]CCCCACCATAGCTGTGACCCCCTGGCCTGAAGACGTTCCGGGCCAGGGGGGGCCTCTCCT-3'
Protein context (NP_000548.2, residues 58-78): FRPGGHSYGG[Gly68Glu]ATNANARAKG

ClinVar aggregate classification (germline): Uncertain significance (1 of 4 stars; one submission).

Allele frequency attached by ClinVar (database versions not stated): gnomAD exomes below 0.00001.

Submission:

Labcorp Genetics (formerly Invitae), Labcorp
Classification: Uncertain significance. Last evaluated: 2021-01-17. Review status: criteria provided, single submitter. Criteria: Invitae Variant Classification Sherloc (09022015). Collection method: clinical testing. Allele origin: germline.
Comment: This sequence change replaces glycine with glutamic acid at codon 68 of the GDF5 protein (p.Gly68Glu). The glycine residue is highly conserved and there is a moderate physicochemical difference between glycine and glutamic acid. This variant is not present in population databases (ExAC no frequency). In summary, the available evidence is currently insufficient to determine the role of this variant in disease. Therefore, it has been classified as a Variant of Uncertain Significance. Algorithms developed to predict the effect of missense changes on protein structure and function are either unavailable or do not agree on the potential impact of this missense change (SIFT: "Deleterious"; PolyPhen-2: "Benign"; Align-GVGD: "Class C0"). This variant has not been reported in the literature in individuals with GDF5-related conditions.